The following is an entry in ClinVar:

ClinVar aggregate classification (germline): Uncertain significance (1 of 4 stars; one submission).

Conditions:
Combined immunodeficiency due to LRBA deficiency. Also called: Common variable immunodeficiency 8, with autoimmunity. Identifiers: Orphanet 445018, MedGen C3553512, MONDO:0013863, OMIM 614700.

Allele frequency attached by ClinVar (database versions not stated): gnomAD exomes below 0.00001.
gnomAD v4.1: 2 of 1,403,360 alleles (0.00014%); highest among the groups gnomAD compares: Non-Finnish European, 0.0002%; no homozygotes.

Submission:

Labcorp Genetics (formerly Invitae), Labcorp
Classification: Uncertain significance for Combined immunodeficiency due to LRBA deficiency. Last evaluated: 2017-09-09. Review status: criteria provided, single submitter. Criteria: Invitae Variant Classification Sherloc (09022015). Collection method: clinical testing. Allele origin: germline.
Comment: In summary, the available evidence is currently insufficient to determine the role of this variant in disease. Therefore, it has been classified as a Variant of Uncertain Significance. Algorithms developed to predict the effect of sequence changes on RNA splicing suggest that this variant may create or strengthen a splice site, but this prediction has not been confirmed by published transcriptional studies. Algorithms developed to predict the effect of missense changes on protein structure and function (SIFT, PolyPhen-2, Align-GVGD) all suggest that this variant is likely to be tolerated, but these predictions have not been confirmed by published functional studies and their clinical significance is uncertain. This variant has not been reported in the literature in individuals with LRBA-related disease. This variant is not present in population databases (ExAC no frequency). This sequence change replaces lysine with arginine at codon 2020 of the LRBA protein (p.Lys2020Arg). The lysine residue is weakly conserved and there is a small physicochemical difference between lysine and arginine.

NM_001364905.1(LRBA):c.6046+1904A>G

Gene: LRBA (LPS responsive beige-like anchor protein; minus strand). Cytogenetic location: 4q31.3.
Variant type: single nucleotide variant.
Coding change: c.6046+1904A>G on transcript NM_001364905.1 (MANE Select); 1904 bases into the intron after coding-DNA position 6046, A replaced by G.
Molecular consequence: intron variant. On other transcripts: missense variant (2).
Genome position (GRCh38, 1-based): chr4:150,597,103, T>C on the plus strand (A>G on the coding strand, the complement: LRBA is on the minus strand). VCF-style: chr4-150597103-T-C. GRCh37 (hg19) VCF-style: chr4-151518255-T-C.
Other names: c.6059A>G, p.Lys2020Arg (NM_001440430.1, NM_006726.5); c.6046+1904A>G (NM_001367550.1, NM_001199282.3, NM_001440431.1); short protein forms K2020R.
Identifiers: ClinVar variation 540393 (VCV000540393.8), dbSNP rs908422044, ClinGen allele CA108379552.
Genomic context (GRCh38, chr4:150,597,103, plus strand): 5'-ATAATCATAAAATTACTATAAAATATTACTCAATGCTTACCTTTGCTGTTCTCTCTCAAT[T>C]TAAAAATGCACACTAAAACATAGATAATTAACATTGGATTAACCTTTCAATTACTATCGA-3'